The following is an entry in ClinVar:

ClinVar aggregate classification (germline): Uncertain significance. Review status: criteria provided, multiple submitters, no conflicts (2 of 4 stars). 2 submissions from 2 submitters: Uncertain significance (2). Last evaluated 2025-12-15.

Allele frequency attached by ClinVar (database versions not stated): ExAC 0.00003; gnomAD exomes 0.00003; ESP Exome Variant Server 0.00008; TOPMed 0.00008; gnomAD 0.00009; 1000 Genomes Project 0.00060; 1000 Genomes Project 30x 0.00078.

Submissions (2):

Ambry Genetics
Classification: Uncertain significance. Last evaluated: 2025-12-15. Review status: criteria provided, single submitter. Criteria: Ambry Variant Classification Scheme 2023. Collection method: clinical testing. Allele origin: germline.

Labcorp Genetics (formerly Invitae), Labcorp
Classification: Uncertain significance. Last evaluated: 2022-09-20. Review status: criteria provided, single submitter. Criteria: Invitae Variant Classification Sherloc (09022015). Collection method: clinical testing. Allele origin: germline.
Comment: In summary, the available evidence is currently insufficient to determine the role of this variant in disease. Therefore, it has been classified as a Variant of Uncertain Significance. Algorithms developed to predict the effect of missense changes on protein structure and function are either unavailable or do not agree on the potential impact of this missense change (SIFT: "Deleterious"; PolyPhen-2: "Benign"; Align-GVGD: "Class C0"). This variant has not been reported in the literature in individuals affected with SLC7A13-related conditions. The frequency data for this variant in the population databases is considered unreliable, as metrics indicate poor data quality at this position in the gnomAD database. This sequence change replaces serine, which is neutral and polar, with leucine, which is neutral and non-polar, at codon 311 of the SLC7A13 protein (p.Ser311Leu).

NM_138817.3(SLC7A13):c.932C>T (p.Ser311Leu)

Gene: SLC7A13 (solute carrier family 7 member 13; minus strand). Cytogenetic location: 8q21.3.
Variant type: single nucleotide variant.
Coding change: c.932C>T on transcript NM_138817.3 (MANE Select); coding-DNA position 932, C replaced by T.
Protein change: p.Ser311Leu; replaces serine 311 with leucine.
Molecular consequence: missense variant.
Genome position (GRCh38, 1-based): chr8:86,217,717, G>A on the plus strand (C>T on the coding strand, the complement: SLC7A13 is on the minus strand). VCF-style: chr8-86217717-G-A. GRCh37 (hg19) VCF-style: chr8-87229946-G-A.
Other names: c.932C>T (NM_138817.2); short protein forms S311L.
Identifiers: ClinVar variation 2168613 (VCV002168613.5), dbSNP rs142181923, ClinGen allele CA4797681.